The following is an entry in ClinVar:

ClinVar aggregate classification (germline): Uncertain significance (1 of 4 stars; one submission).

Conditions:
Hyperaldosteronism, familial, type IV (HALD4). Also called: FH IV; ALDOSTERONISM, PRIMARY, AND HYPERTENSION. Identifiers: Orphanet 642671, MedGen C4310756, MONDO:0014875, OMIM 617027.
Idiopathic generalized epilepsy. Also called: Generalised epilepsy; EIG. Identifiers: MedGen C0270850, MONDO:0005579, OMIM 600669.

Submission:

Labcorp Genetics (formerly Invitae), Labcorp
Classification: Uncertain significance for Idiopathic generalized epilepsy; Hyperaldosteronism, familial, type IV. Last evaluated: 2017-11-16. Review status: criteria provided, single submitter. Criteria: Invitae Variant Classification Sherloc (09022015). Collection method: clinical testing. Allele origin: germline.
Comment: This variant is a gross deletion of the genomic region encompassing exons 1-2 of the CACNA1H gene, which includes the initiator codon. This is expected to result in an absent or disrupted protein product. Similar deletions of exons 1-2 have not been reported in the literature in individuals with CACNA1H-related disease. In summary, the available evidence is currently insufficient to determine the role of this variant in disease. Therefore, it has been classified as a Variant of Uncertain Significance. The current clinical and genetic evidence is not sufficient to establish whether loss-of-function variants in CACNA1H cause disease.

NC_000016.9:g.(?_765584)_(1204036_?)del

Genes: CHTF18 (chromosome transmission fidelity factor 18; plus strand), CIAO3 (cytosolic iron-sulfur assembly component 3; minus strand), GNG13 (G protein subunit gamma 13; minus strand), HAGHL (hydroxyacylglutathione hydrolase like; plus strand), MSLN (mesothelin; plus strand) and 10 more. Cytogenetic location: 16p13.3.
Variant type: Deletion.
Identifiers: ClinVar variation 1047658 (VCV001047658.5).